The following is an entry in ClinVar:

ClinVar aggregate classification (germline): Uncertain significance. Review status: criteria provided, multiple submitters, no conflicts (2 of 4 stars). 2 submissions from 2 submitters: Uncertain significance (2). Last evaluated 2024-12-25.

Conditions:
Tietz syndrome (TADS). Also called: ALBINISM-DEAFNESS OF TIETZ; HYPOPIGMENTATION/DEAFNESS OF TIETZ; TIETZ ALBINISM-DEAFNESS SYNDROME. Identifiers: Orphanet 42665, MedGen C0391816, MONDO:0007077, OMIM 103500.
Melanoma, cutaneous malignant, susceptibility to, 8. Also called: MELANOMA AND RENAL CELL CARCINOMA, SUSCEPTIBILITY TO; Cutaneous malignant melanoma 8. Identifiers: Orphanet 293822, MedGen C3152204, MONDO:0013759, OMIM 614456.
Waardenburg syndrome type 2A (WS2A). Also called: WAARDENBURG SYNDROME WITHOUT DYSTOPIA CANTHORUM. Identifiers: Orphanet 3440, MedGen C1860339, MONDO:0008671, OMIM 193510.
Coloboma, osteopetrosis, microphthalmia, macrocephaly, albinism, and deafness (COMMAD). Also called: COMMAD syndrome. Identifiers: Orphanet 603494, MedGen C4310625, MONDO:0015014, OMIM 617306.
Hereditary cancer-predisposing syndrome. Also called: Hereditary Cancer Syndrome; Hereditary neoplastic syndrome; Neoplastic Syndromes, Hereditary; Tumor predisposition. Identifiers: Orphanet 140162, MedGen C0027672, MeSH D009386, MONDO:0015356.

Submissions (2):

Ambry Genetics
Classification: Uncertain significance for Hereditary cancer-predisposing syndrome. Last evaluated: 2024-12-25. Review status: criteria provided, single submitter. Criteria: Ambry Variant Classification Scheme 2023. Collection method: clinical testing. Allele origin: germline.
Comment: The p.T107K variant (also known as c.320C>A), located in coding exon 3 of the MITF gene, results from a C to A substitution at nucleotide position 320. The threonine at codon 107 is replaced by lysine, an amino acid with similar properties. This amino acid position is conserved. In addition, this alteration is predicted to be tolerated by in silico analysis. Based on the available evidence, the clinical significance of this variant remains unclear.

Fulgent Genetics
Classification: Uncertain significance for Tietz syndrome; Waardenburg syndrome type 2A; Melanoma, cutaneous malignant, susceptibility to, 8; Coloboma, osteopetrosis, microphthalmia, macrocephaly, albinism, and deafness. Last evaluated: 2024-05-23. Review status: criteria provided, single submitter. Criteria: ACMG Guidelines, 2015. Collection method: clinical testing. Allele origin: germline.

NM_001354604.2(MITF):c.641C>A (p.Thr214Lys)

Gene: MITF (melanocyte inducing transcription factor; plus strand). Cytogenetic location: 3p13.
Variant type: single nucleotide variant.
Coding change: c.641C>A on transcript NM_001354604.2 (MANE Select); coding-DNA position 641, C replaced by A.
Protein change: p.Thr214Lys; replaces threonine 214 with lysine.
Molecular consequence: missense variant.
Genome position (GRCh38, 1-based): chr3:69,939,156, C>A. VCF-style: chr3-69939156-C-A. GRCh37 (hg19) VCF-style: chr3-69988307-C-A.
Other names: c.320C>A, p.Thr107Lys (NM_000248.4, NM_198158.3); c.485C>A, p.Thr162Lys (NM_001184967.2, NM_001354608.2); c.638C>A, p.Thr213Lys (NM_001354605.2, NM_001354606.2, NM_006722.3); c.590C>A, p.Thr197Lys (NM_001354607.2); c.641C>A, p.Thr214Lys (NM_198159.3); c.593C>A, p.Thr198Lys (NM_198177.3); c.152C>A, p.Thr51Lys (NM_198178.3); short protein forms T107K, T197K, T162K, T213K, T214K, T198K, T51K.
Identifiers: ClinVar variation 3589522 (VCV003589522.2).